The following is an entry in ClinVar:

NM_001378120.1(MBD5):c.2773T>A (p.Ser925Thr)

Gene: MBD5 (methyl-CpG binding domain protein 5; plus strand). Cytogenetic location: 2q23.1.
Variant type: single nucleotide variant.
Coding change: c.2773T>A on transcript NM_001378120.1 (MANE Select); coding-DNA position 2773, T replaced by A.
Protein change: p.Ser925Thr; replaces serine 925 with threonine.
Molecular consequence: missense variant.
Genome position (GRCh38, 1-based): chr2:148,483,364, T>A. VCF-style: chr2-148483364-T-A. GRCh37 (hg19) VCF-style: chr2-149240933-T-A.
Other names: c.2773T>A, p.Ser925Thr (NM_018328.5); short protein forms S925T.
Identifiers: ClinVar variation 2700521 (VCV002700521.3), dbSNP rs2469975617, ClinGen allele CA348722664.

ClinVar aggregate classification (germline): Uncertain significance (1 of 4 stars; one submission).

Conditions:
Intellectual developmental disorder, autosomal dominant 1. Also called: Intellectual disability, autosomal dominant 1; MBD5 Haploinsufficiency. Identifiers: Orphanet 228402, MedGen C1969562, MONDO:0007974, OMIM 156200.

Submission:

Labcorp Genetics (formerly Invitae), Labcorp
Classification: Uncertain significance for Intellectual developmental disorder, autosomal dominant 1. Last evaluated: 2023-12-02. Review status: criteria provided, single submitter. Criteria: Invitae Variant Classification Sherloc (09022015). Collection method: clinical testing. Allele origin: germline.
Comment: This sequence change replaces serine, which is neutral and polar, with threonine, which is neutral and polar, at codon 925 of the MBD5 protein (p.Ser925Thr). This variant is not present in population databases (gnomAD no frequency). This variant has not been reported in the literature in individuals affected with MBD5-related conditions. Advanced modeling of protein sequence and biophysical properties (such as structural, functional, and spatial information, amino acid conservation, physicochemical variation, residue mobility, and thermodynamic stability) performed at Invitae indicates that this missense variant is not expected to disrupt MBD5 protein function with a negative predictive value of 80%. In summary, the available evidence is currently insufficient to determine the role of this variant in disease. Therefore, it has been classified as a Variant of Uncertain Significance.